The following is an entry in ClinVar:

NM_001273.5(CHD4):c.1994A>G (p.Asp665Gly)

Gene: CHD4 (chromodomain helicase DNA binding protein 4; minus strand). Cytogenetic location: 12p13.31.
Variant type: single nucleotide variant.
Coding change: c.1994A>G on transcript NM_001273.5 (MANE Select); coding-DNA position 1994, A replaced by G.
Protein change: p.Asp665Gly; replaces aspartic acid 665 with glycine.
Molecular consequence: missense variant.
Genome position (GRCh38, 1-based): chr12:6,596,036, T>C on the plus strand (A>G on the coding strand, the complement: CHD4 is on the minus strand). VCF-style: chr12-6596036-T-C. GRCh37 (hg19) VCF-style: chr12-6705202-T-C.
Other names: c.1973A>G, p.Asp658Gly (NM_001297553.2); c.1955A>G, p.Asp652Gly (NM_001363606.2); short protein forms D652G, D658G, D665G.
Identifiers: ClinVar variation 1696904 (VCV001696904.2), dbSNP rs2136218373, ClinGen allele CA383596044.

ClinVar aggregate classification (germline): Uncertain significance (1 of 4 stars; one submission).

Submission:

GeneDx
Classification: Uncertain significance. Last evaluated: 2022-01-15. Review status: criteria provided, single submitter. Criteria: GeneDx Variant Classification Process June 2021. Collection method: clinical testing. Allele origin: germline. Affected: yes.
Comment: Has not been previously published as pathogenic or benign to our knowledge; Not observed at significant frequency in large population cohorts (gnomAD); In silico analysis supports that this missense variant has a deleterious effect on protein structure/function